The following is an entry in ClinVar:

NM_000965.5(RARB):c.845G>T (p.Gly282Val)

Gene: RARB (retinoic acid receptor beta; plus strand). Cytogenetic location: 3p24.2.
Variant type: single nucleotide variant.
Coding change: c.845G>T on transcript NM_000965.5 (MANE Select); coding-DNA position 845, G replaced by T.
Protein change: p.Gly282Val; replaces glycine 282 with valine.
Molecular consequence: missense variant. On other transcripts: non-coding transcript variant (1), intron variant (1).
Genome position (GRCh38, 1-based): chr3:25,593,561, G>T. VCF-style: chr3-25593561-G-T. GRCh37 (hg19) VCF-style: chr3-25635052-G-T.
Other names: c.866G>T, p.Gly289Val (NM_001290216.3); c.509G>T, p.Gly170Val (NM_001290217.2, NM_001290276.2, NM_016152.4); c.698G>T, p.Gly233Val (NM_001290266.2); c.716G>T, p.Gly239Val (NM_001290300.2); c.787-80G>T (NM_001290277.1); short protein forms G233V, G239V, G282V, G170V, G289V.
Identifiers: ClinVar variation 2229046 (VCV002229046.2), dbSNP rs2529811664, ClinGen allele CA351886296.

ClinVar aggregate classification (germline): Uncertain significance (1 of 4 stars; one submission).

Conditions:
Inborn genetic diseases. Identifiers: MedGen C0950123, MeSH D030342.

Submission:

Ambry Genetics
Classification: Uncertain significance for Inborn genetic diseases. Last evaluated: 2021-01-29. Review status: criteria provided, single submitter. Criteria: Ambry Variant Classification Scheme 2023. Collection method: clinical testing. Allele origin: germline.
Comment: The c.845G>T (p.G282V) alteration is located in coding exon 6 of the RARB gene. This alteration results from a G to T substitution at nucleotide position 845, causing the glycine (G) at amino acid position 282 to be replaced by a valine (V). Based on data from the Genome Aggregation Database (gnomAD), the RARB c.845G>T alteration was not observed, with coverage at this position. The p.G282 amino acid is conserved in available vertebrate species. The p.G282V alteration is predicted to be deleterious by in silico analysis. Based on insufficient or conflicting evidence, the clinical significance of this alteration remains unclear.